The following is an entry in ClinVar:

NM_002225.5(IVD):c.465T>G (p.Ser155Arg)

Gene: IVD (isovaleryl-CoA dehydrogenase; plus strand). Cytogenetic location: 15q15.1.
Variant type: single nucleotide variant.
Coding change: c.465T>G on transcript NM_002225.5 (MANE Select); coding-DNA position 465, T replaced by G.
Protein change: p.Ser155Arg; replaces serine 155 with arginine.
Molecular consequence: missense variant. On other transcripts: non-coding transcript variant (1).
Genome position (GRCh38, 1-based): chr15:40,411,268, T>G. VCF-style: chr15-40411268-T-G. GRCh37 (hg19) VCF-style: chr15-40703467-T-G.
Other names: c.375T>G, p.Ser125Arg (NM_001159508.3); c.417T>G, p.Ser139Arg (NM_001354597.3); c.465T>G, p.Ser155Arg (NM_001354598.3, NM_001354601.3); c.552T>G, p.Ser184Arg (NM_001354599.3, NM_001354600.3); short protein forms S125R, S139R, S155R, S184R.
Identifiers: ClinVar variation 4687263 (VCV004687263.1).

ClinVar aggregate classification (germline): Uncertain significance (1 of 4 stars; one submission).

Submission:

Women's Health and Genetics/Laboratory Corporation of America, LabCorp
Classification: Uncertain significance. Last evaluated: 2025-10-15. Review status: criteria provided, single submitter. Criteria: LabCorp Variant Classification Summary - May 2015. Collection method: clinical testing. Allele origin: germline.
Comment: Variant summary: IVD c.465T>G (p.Ser155Arg) results in a non-conservative amino acid change in the encoded protein sequence. Algorithms developed to predict the effect of missense changes on protein structure and function are either unavailable or do not agree on the potential impact of this missense change. The variant was absent in 251484 control chromosomes. The available data on variant occurrences in the general population are insufficient to allow any conclusion about variant significance. To our knowledge, no occurrence of c.465T>G in individuals affected with IVD-related conditions and no experimental evidence demonstrating its impact on protein function have been reported. No submitters have cited clinical-significance assessments for this variant to ClinVar. Based on the evidence outlined above, the variant was classified as uncertain significance.